The following is an entry in ClinVar:

NM_017988.6(SCYL2):c.1433T>C (p.Leu478Pro)

Gene: SCYL2 (SCY1 like pseudokinase 2; plus strand). Cytogenetic location: 12q23.1.
Variant type: single nucleotide variant.
Coding change: c.1433T>C on transcript NM_017988.6 (MANE Select); coding-DNA position 1433, T replaced by C.
Protein change: p.Leu478Pro; replaces leucine 478 with proline.
Molecular consequence: missense variant.
Genome position (GRCh38, 1-based): chr12:100,323,562, T>C. VCF-style: chr12-100323562-T-C. GRCh37 (hg19) VCF-style: chr12-100717340-T-C.
Other names: c.1433T>C, p.Leu478Pro (NM_001317784.2); c.1445T>C, p.Leu482Pro (NM_001330253.2, NM_001330254.2); c.926T>C, p.Leu309Pro (NM_001330256.2); c.1433T>C (NM_017988.4); short protein forms L309P, L478P, L482P.
Identifiers: ClinVar variation 3381319 (VCV003381319.3).
Genomic context (GRCh38, chr12:100,323,562, plus strand): 5'-GATTCAGTTTATTTTCTTTATAGGAGCTCTGTCTAAACATCATTCCAACCTTTGCAAATC[T>C]TATAGACTACCCATCCATGAAAAACGCTTTGATACCAAGAATTAAAAATGCTTGTCTACA-3'
Protein context (NP_060458.3, residues 468-488): CLNIIPTFAN[Leu478Pro]IDYPSMKNAL

ClinVar aggregate classification (germline): Uncertain significance. Review status: criteria provided, multiple submitters, no conflicts (2 of 4 stars). 2 submissions from 2 submitters: Uncertain significance (2). Last evaluated 2025-11-04.

Conditions:
Inborn genetic diseases. Identifiers: MedGen C0950123, MeSH D030342.

gnomAD v4.1: 15 of 1,604,210 alleles (0.00094%); highest among the groups gnomAD compares: African/African-American, 0.0027%; no homozygotes.

Submissions (2):

GeneDx
Classification: Uncertain significance. Last evaluated: 2025-11-04. Review status: criteria provided, single submitter. Criteria: GeneDx Variant Classification Process June 2021. Collection method: clinical testing. Allele origin: germline.
Comment: In silico analysis supports that this missense variant has a deleterious effect on protein structure/function; Has not been previously published as pathogenic or benign to our knowledge

Ambry Genetics
Classification: Uncertain significance for Inborn genetic diseases. Last evaluated: 2025-02-27. Review status: criteria provided, single submitter. Criteria: Ambry Variant Classification Scheme 2023. Collection method: clinical testing. Allele origin: germline.